The following is an entry in ClinVar:

ClinVar aggregate classification (germline): Uncertain significance (1 of 4 stars; one submission).

Conditions:
Asphyxiating thoracic dystrophy 5 (SRTD5). Also called: SHORT-RIB THORACIC DYSPLASIA 5 WITH OR WITHOUT POLYDACTYLY; SHORT-RIB THORACIC DYSPLASIA 5 WITHOUT POLYDACTYLY. Identifiers: Orphanet 474, MedGen C3280598, MONDO:0013717, OMIM 614376.
Senior-Loken syndrome 8 (SLSN8). Identifiers: Orphanet 3156, MedGen C4225376, MONDO:0014579, OMIM 616307.

Allele frequency attached by ClinVar (database versions not stated): gnomAD exomes below 0.00001.
gnomAD v4.1: 1 of 1,612,626 alleles (0.000062%); highest among the groups gnomAD compares: South Asian, 0.0011%; no homozygotes.

Submission:

Labcorp Genetics (formerly Invitae), Labcorp
Classification: Uncertain significance for Senior-Loken syndrome 8; Asphyxiating thoracic dystrophy 5. Last evaluated: 2022-06-20. Review status: criteria provided, single submitter. Criteria: Invitae Variant Classification Sherloc (09022015). Collection method: clinical testing. Allele origin: germline.
Comment: In summary, the available evidence is currently insufficient to determine the role of this variant in disease. Therefore, it has been classified as a Variant of Uncertain Significance. This sequence change replaces histidine, which is basic and polar, with tyrosine, which is neutral and polar, at codon 126 of the WDR19 protein (p.His126Tyr). This variant is not present in population databases (gnomAD no frequency). This variant has not been reported in the literature in individuals affected with WDR19-related conditions. Algorithms developed to predict the effect of missense changes on protein structure and function (SIFT, PolyPhen-2, Align-GVGD) all suggest that this variant is likely to be tolerated. Algorithms developed to predict the effect of sequence changes on RNA splicing suggest that this variant may disrupt the consensus splice site.

NM_025132.4(WDR19):c.376C>T (p.His126Tyr)

Gene: WDR19 (WD repeat domain 19; plus strand). Cytogenetic location: 4p14.
Variant type: single nucleotide variant.
Coding change: c.376C>T on transcript NM_025132.4 (MANE Select); coding-DNA position 376, C replaced by T.
Protein change: p.His126Tyr; replaces histidine 126 with tyrosine.
Molecular consequence: missense variant. On other transcripts: intron variant (1).
Genome position (GRCh38, 1-based): chr4:39,194,629, C>T. VCF-style: chr4-39194629-C-T. GRCh37 (hg19) VCF-style: chr4-39196249-C-T.
Other names: c.-75+4848C>T (NM_001317924.2); short protein forms H126Y.
Identifiers: ClinVar variation 2008737 (VCV002008737.4), dbSNP rs2475037106, ClinGen allele CA356631835.